The following is an entry in ClinVar:

ClinVar aggregate classification (germline): Likely pathogenic (1 of 4 stars; one submission).

Conditions:
Retinitis pigmentosa 28 (RP28). Identifiers: Orphanet 791, MedGen C1419614, MONDO:0011630, OMIM 606068.

Submission:

Natera, Inc.
Classification: Likely pathogenic for Retinitis pigmentosa type 28. Last evaluated: 2025-08-31. Review status: criteria provided, single submitter. Criteria: Natera Variant Classification Schema (03/2026). Collection method: clinical testing. Allele origin: germline.
Comment: The c.1678dup variant in FAM161A is a frameshift variant predicted to shift the reading frame beginning at codon 560 and leads to a stop codon 5 codons downstream. This variant is expected to result in nonsense mediated decay, truncation, or a dysfunctional protein product. This variant is rare in the general population with a frequency below the threshold expected for the associated phenotype(s). Given the available evidence, this variant is classified as Likely Pathogenic.

NM_001201543.2(FAM161A):c.1678dup (p.Thr560fs)

Gene: FAM161A (FAM161 centrosomal protein A; minus strand). Cytogenetic location: 2p15.
Variant type: Duplication.
Coding change: c.1678dup on transcript NM_001201543.2 (MANE Select); coding-DNA position 1678, one base duplicated (A; older notation c.1678dupA).
Protein change: p.Thr560fs; shifts the reading frame from threonine 560.
Molecular consequence: frameshift variant. On other transcripts: intron variant (1).
Genome position (GRCh38, 1-based): chr2:61,838,611, T duplicated on the plus strand (A on the coding strand, the reverse complement: FAM161A is on the minus strand). VCF-style (leftmost placement, unchanged base first): chr2-61838610-G-GT. GRCh37 (hg19) VCF-style: chr2-62065745-G-GT.
Other names: c.1583+810dup (NM_032180.3); short protein forms T560fs.
Identifiers: ClinVar variation 4814689 (VCV004814689.1).